The following is an entry in ClinVar:

ClinVar aggregate classification (germline): Uncertain significance (1 of 4 stars; one submission).

Submission:

Labcorp Genetics (formerly Invitae), Labcorp
Classification: Uncertain significance. Last evaluated: 2022-04-15. Review status: criteria provided, single submitter. Criteria: Invitae Variant Classification Sherloc (09022015). Collection method: clinical testing. Allele origin: germline.
Comment: This sequence change replaces arginine, which is basic and polar, with serine, which is neutral and polar, at codon 849 of the EYS protein (p.Arg849Ser). In summary, the available evidence is currently insufficient to determine the role of this variant in disease. Therefore, it has been classified as a Variant of Uncertain Significance. Algorithms developed to predict the effect of missense changes on protein structure and function (SIFT, PolyPhen-2, Align-GVGD) all suggest that this variant is likely to be tolerated. This variant has not been reported in the literature in individuals affected with EYS-related conditions. This variant is not present in population databases (gnomAD no frequency).

NM_001142800.2(EYS):c.2545C>A (p.Arg849Ser)

Gene: EYS (EGF-like photoreceptor maintenance factor; minus strand). Cytogenetic location: 6q12.
Variant type: single nucleotide variant.
Coding change: c.2545C>A on transcript NM_001142800.2 (MANE Select); coding-DNA position 2545, C replaced by A.
Protein change: p.Arg849Ser; replaces arginine 849 with serine.
Molecular consequence: missense variant.
Genome position (GRCh38, 1-based): chr6:64,912,580, G>T on the plus strand (C>A on the coding strand, the complement: EYS is on the minus strand). VCF-style: chr6-64912580-G-T. GRCh37 (hg19) VCF-style: chr6-65622473-G-T.
Other names: c.2545C>A, p.Arg849Ser (NM_001292009.2); short protein forms R849S.
Identifiers: ClinVar variation 1974412 (VCV001974412.5), dbSNP rs369347845, ClinGen allele CA364786278.
Genomic context (GRCh38, chr6:64,912,580, plus strand): 5'-AAGCTAAGCATGTTGAGTTGTTTCTGCAAGGGTTATGAAGTAGGTCACAAAGGTTATAGC[G>T]TTGGTGGCAAAATTGTCCAGTATAAAGGGGTGGGCACAGACATACAAATTGTCCAGGGAT-3'
Protein context (NP_001136272.1, residues 839-859): PLYTGQFCHQ[Arg849Ser]YNLCDLLHNP